The following is an entry in ClinVar:

NM_000535.7(PMS2):c.407del (p.Met136fs)

Gene: PMS2 (PMS1 homolog 2, mismatch repair system component; minus strand). Cytogenetic location: 7p22.1.
Variant type: Deletion.
Coding change: c.407del on transcript NM_000535.7 (MANE Select); coding-DNA position 407, one base deleted (T; older notation c.407delT).
Protein change: p.Met136fs; shifts the reading frame from methionine 136.
Molecular consequence: frameshift variant. On other transcripts: initiator codon variant (27), 5 prime UTR variant (2), non-coding transcript variant (1), intron variant (1).
Genome position (GRCh38, 1-based): chr7:6,002,583, A deleted on the plus strand (T on the coding strand, the reverse complement: PMS2 is on the minus strand). VCF-style (leftmost placement, unchanged base first): chr7-6002582-CA-C. GRCh37 (hg19) VCF-style: chr7-6042213-CA-C.
Other names: c.593del, p.Met198fs (NM_001406866.1); c.431del, p.Met144fs (NM_001406868.1); c.407del, p.Met136fs (NM_001406869.1, NM_001406870.1, NM_001406871.1 and 8 more transcripts); c.2del, p.Met1fs (NM_001406887.1, NM_001406888.1, NM_001406889.1 and 24 more transcripts); c.98del, p.Met33fs (NM_001406875.1, NM_001406877.1, NM_001406878.1 and 6 more transcripts); c.89del, p.Met30fs (NM_001406876.1, NM_001406883.1, NM_001322007.2 and 4 more transcripts); c.2delT, p.Met1Serfs (NM_001018040.1); c.-478del (NM_001322011.2, NM_001322012.2); and 1 more; short protein forms M136fs, M144fs, M198fs, M1fs, M30fs, M33fs.
Identifiers: ClinVar variation 2674251 (VCV002674251.1), dbSNP rs2536450385, ClinGen allele CA2695198431.

ClinVar aggregate classification (germline): Pathogenic (1 of 4 stars; one submission).

Conditions:
Lynch syndrome 4 (LYNCH4). Also called: Hereditary non-polyposis colorectal cancer, type 4; Colorectal cancer, hereditary nonpolyposis, type 4. Identifiers: Orphanet 144, MedGen C1838333, MONDO:0013699, OMIM 614337. Disease mechanism: loss of function.

Submission:

Myriad Genetics, Inc.
Classification: Pathogenic for Lynch syndrome 4. Last evaluated: 2023-09-18. Review status: criteria provided, single submitter. Criteria: Myriad Autosomal Dominant, Autosomal Recessive and X-Linked Classification Criteria (2023). Collection method: clinical testing. Allele origin: unknown.
Comment: This variant is considered pathogenic. This variant creates a frameshift predicted to result in premature protein truncation.